The following is an entry in ClinVar:

NM_001374736.1(DST):c.13032C>G (p.Asp4344Glu)

Gene: DST (dystonin; minus strand). Cytogenetic location: 6p12.1.
Variant type: single nucleotide variant.
Coding change: c.13032C>G on transcript NM_001374736.1 (MANE Select); coding-DNA position 13032, C replaced by G.
Protein change: p.Asp4344Glu; replaces aspartic acid 4344 with glutamic acid.
Molecular consequence: missense variant.
Genome position (GRCh38, 1-based): chr6:56,573,883, G>C on the plus strand (C>G on the coding strand, the complement: DST is on the minus strand). VCF-style: chr6-56573883-G-C. GRCh37 (hg19) VCF-style: chr6-56438681-G-C.
Other names: c.6675C>G, p.Asp2225Glu (NM_001144769.5); c.6261C>G, p.Asp2087Glu (NM_001144770.2); c.13032C>G, p.Asp4344Glu (NM_001374722.1); c.12399C>G, p.Asp4133Glu (NM_001374729.1); c.6141C>G, p.Asp2047Glu (NM_001374730.1, NM_001386100.1, NM_183380.4); c.13059C>G, p.Asp4353Glu (NM_001374734.1); c.5163C>G, p.Asp1721Glu (NM_015548.5); short protein forms D1721E, D4353E, D2047E, D2087E, D4133E, D4344E, D2225E.
Identifiers: ClinVar variation 1978779 (VCV001978779.4), dbSNP rs2535776159, ClinGen allele CA364528237.

ClinVar aggregate classification (germline): Uncertain significance (1 of 4 stars; one submission).

Conditions:
Hereditary sensory and autonomic neuropathy type 6. Also called: Neuropathy, hereditary sensory and autonomic, type VI; HSAN VI. Identifiers: Orphanet 314381, MedGen C3539003, MONDO:0013839, OMIM 614653.
Epidermolysis bullosa simplex 3, localized or generalized intermediate, with BP230 deficiency (EBS3). Also called: Epidermolysis bullosa simplex, autosomal recessive 2; Epidermolysis bullosa simplex due to BP230 deficiency. Identifiers: Orphanet 412181, MedGen C3809470, MONDO:0014180, OMIM 615425.

Submission:

Labcorp Genetics (formerly Invitae), Labcorp
Classification: Uncertain significance for Epidermolysis bullosa simplex 3, localized or generalized intermediate, with BP230 deficiency; Hereditary sensory and autonomic neuropathy type 6. Last evaluated: 2022-06-28. Review status: criteria provided, single submitter. Criteria: Invitae Variant Classification Sherloc (09022015). Collection method: clinical testing. Allele origin: germline.
Comment: In summary, the available evidence is currently insufficient to determine the role of this variant in disease. Therefore, it has been classified as a Variant of Uncertain Significance. Experimental studies and prediction algorithms are not available or were not evaluated, and the functional significance of this variant is currently unknown. This variant has not been reported in the literature in individuals affected with DST-related conditions. This variant is not present in population databases (gnomAD no frequency). This sequence change replaces aspartic acid, which is acidic and polar, with glutamic acid, which is acidic and polar, at codon 1721 of the DST protein (p.Asp1721Glu). The DST gene has multiple clinically relevant transcripts. This variant occurs in alternate transcript NM_015548.4, and corresponds to NM_001723.5:c.*41634C>G in the primary transcript.